The following is an entry in ClinVar:

NM_139343.3(BIN1):c.165+1G>A

Gene: BIN1 (bridging integrator 1; minus strand). Cytogenetic location: 2q14.3.
Variant type: single nucleotide variant.
Coding change: c.165+1G>A on transcript NM_139343.3 (MANE Select); the canonical splice donor site of the intron after coding-DNA position 165, G replaced by A.
Molecular consequence: splice donor variant.
Genome position (GRCh38, 1-based): chr2:127,076,625, C>T on the plus strand (G>A on the coding strand, the complement: BIN1 is on the minus strand). VCF-style: chr2-127076625-C-T. GRCh37 (hg19) VCF-style: chr2-127834201-C-T.
Other names: c.84+1G>A (NM_001320642.1); c.93+1G>A (NM_001320634.1); c.165+1G>A (NM_139351.3, NM_139350.3, NM_139349.3 and 10 more transcripts).
Identifiers: ClinVar variation 2012444 (VCV002012444.4), dbSNP rs113072206, ClinGen allele CA55327137.

ClinVar aggregate classification (germline): Uncertain significance (1 of 4 stars; one submission).

Conditions:
Myopathy, centronuclear, 2 (CNM2). Also called: MYOTUBULAR MYOPATHY, AUTOSOMAL RECESSIVE. Identifiers: Orphanet 169186, MedGen CN031787, MONDO:0009709, OMIM 255200.

Submission:

Labcorp Genetics (formerly Invitae), Labcorp
Classification: Uncertain significance for Myopathy, centronuclear, 2. Last evaluated: 2022-06-30. Review status: criteria provided, single submitter. Criteria: Invitae Variant Classification Sherloc (09022015). Collection method: clinical testing. Allele origin: germline.
Comment: Algorithms developed to predict the effect of sequence changes on RNA splicing suggest that this variant may disrupt the consensus splice site. In summary, the available evidence is currently insufficient to determine the role of this variant in disease. Therefore, it has been classified as a Variant of Uncertain Significance. This variant has not been reported in the literature in individuals affected with BIN1-related conditions. This variant is not present in population databases (gnomAD no frequency). This sequence change affects a donor splice site in intron 2 of the BIN1 gene. It is expected to disrupt RNA splicing. Variants that disrupt the donor or acceptor splice site typically lead to a loss of protein function (PMID: 16199547), however the current clinical and genetic evidence is not sufficient to establish whether loss-of-function variants in BIN1 cause disease.

Literature cited by the submitters: PubMed 16199547.